The following is an entry in ClinVar:

NM_006662.3(SRCAP):c.4830G>A (p.Pro1610=)

Gene: SRCAP (Snf2 related CREBBP activator protein; plus strand). Cytogenetic location: 16p11.2.
Variant type: single nucleotide variant.
Coding change: c.4830G>A on transcript NM_006662.3 (MANE Select); coding-DNA position 4830, G replaced by A.
Protein change: p.Pro1610=; no amino-acid change (proline 1610 retained).
Molecular consequence: synonymous variant.
Genome position (GRCh38, 1-based): chr16:30,724,254, G>A. VCF-style: chr16-30724254-G-A. GRCh37 (hg19) VCF-style: chr16-30735575-G-A.
Identifiers: ClinVar variation 1503690 (VCV001503690.19), dbSNP rs769654779, ClinGen allele CA8011837.

ClinVar aggregate classification (germline): Likely benign. Review status: criteria provided, multiple submitters, no conflicts (2 of 4 stars). 2 submissions from 2 submitters: Likely benign (2). Last evaluated 2025-01-01.

Allele frequency attached by ClinVar (database versions not stated): ExAC 0.00003; gnomAD 0.00003 and 0.00004.
gnomAD v4.1: 124 of 1,613,450 alleles (0.0077%); highest among the groups gnomAD compares: East Asian, 0.054%; no homozygotes.

Submissions (2):

CeGaT Center for Human Genetics Tuebingen
Classification: Likely benign. Last evaluated: 2025-01-01. Review status: criteria provided, single submitter. Criteria: CeGaT Center For Human Genetics Tuebingen Variant Classification Criteria Version 2. Collection method: clinical testing. Allele origin: germline. Affected: yes. Observed: 1 variant allele.
Comment: SRCAP: BP4, BP7

Labcorp Genetics (formerly Invitae), Labcorp
Classification: Likely benign. Last evaluated: 2024-04-30. Review status: criteria provided, single submitter. Criteria: Invitae Variant Classification Sherloc (09022015). Collection method: clinical testing. Allele origin: germline.